The following is an entry in ClinVar:

ClinVar aggregate classification (germline): Conflicting classifications of pathogenicity. Review status: criteria provided, conflicting classifications (1 of 4 stars). 5 submissions from 5 submitters: Likely pathogenic (4); Uncertain significance (1). Last evaluated 2025-11-11.

Conditions:
Hereditary cancer-predisposing syndrome. Also called: Tumor predisposition; Neoplastic Syndromes, Hereditary; Hereditary Cancer Syndrome; Hereditary neoplastic syndrome. Identifiers: Orphanet 140162, MedGen C0027672, MeSH D009386, MONDO:0015356.
Cardiovascular phenotype. Identifiers: MedGen CN230736.
LZTR1-related schwannomatosis. Also called: Schwannomatosis-2, susceptibility to; Schwannomatosis 2. Identifiers: Orphanet 93921, MedGen C3810283, MONDO:0014299, OMIM 615670.
Noonan syndrome 10 (NS10). Identifiers: Orphanet 648, MedGen C4225280, MONDO:0014693, OMIM 616564.
Noonan syndrome 2 (NS2). Identifiers: Orphanet 648, MedGen C1854469, MONDO:0011531, OMIM 605275.

Allele frequency attached by ClinVar (database versions not stated): gnomAD exomes below 0.00001; TOPMed 0.00002; gnomAD 0.00003 and 0.00004.
gnomAD v4.1: 7 of 1,613,410 alleles (0.00043%); highest among the groups gnomAD compares: African/African-American, 0.008%; no homozygotes.

Submissions (5):

Labcorp Genetics (formerly Invitae), Labcorp
Classification: Likely pathogenic. Last evaluated: 2025-11-11. Review status: criteria provided, single submitter. Criteria: Invitae Variant Classification Sherloc (09022015). Collection method: clinical testing. Allele origin: germline.
Comment: This sequence change affects an acceptor splice site in intron 16 of the LZTR1 gene. It is expected to disrupt RNA splicing. Variants that disrupt the donor or acceptor splice site typically lead to a loss of protein function (PMID: 16199547), and loss-of-function variants in LZTR1 are known to be pathogenic (PMID: 24362817, 25335493, 25480913, 25795793, 29469822, 30368668, 30442762, 30442766, 30481304, 30859559). This variant is present in population databases (no rsID available, gnomAD 0.008%). This variant has not been reported in the literature in individuals affected with LZTR1-related conditions. ClinVar contains an entry for this variant (Variation ID: 1512851). Algorithms developed to predict the effect of sequence changes on RNA splicing suggest that this variant may disrupt the consensus splice site. In summary, the currently available evidence indicates that the variant is pathogenic, but additional data are needed to prove that conclusively. Therefore, this variant has been classified as Likely Pathogenic.

Ambry Genetics
Classification: Likely pathogenic for Cardiovascular phenotype; Hereditary cancer-predisposing syndrome. Last evaluated: 2025-08-21. Review status: criteria provided, single submitter. Criteria: Ambry Variant Classification Scheme 2023. Collection method: clinical testing. Allele origin: germline.
Comment: The c.1943-1G>A intronic variant results from a G to A substitution one nucleotide upstream from coding exon 17 of the LZTR1 gene. This nucleotide position is highly conserved in available vertebrate species. In silico splice site analysis predicts that this alteration will weaken the native splice acceptor site and will result in the creation or strengthening of a novel splice acceptor site. RNA studies have demonstrated that this alteration results in abnormal splicing in the set of samples tested (Ambry internal data). Alterations that disrupt the canonical splice site are expected to cause aberrant splicing, resulting in an abnormal protein or a transcript that is subject to nonsense-mediated mRNA decay. Loss-of-function variants in LZTR1 are related to an increased risk for schwannomas and autosomal recessive Noonan syndrome; however, such associations with autosomal dominant Noonan syndrome have not been observed (Piotrowski A et al. Nat Genet. 2014 Feb;46:182-7; Yamamoto GL et al. J Med Genet. 2015 Jun;52:413-21; Johnston JJ et al. Genet Med. 2018 10;20:1175-1185). Based on the supporting evidence, this variant is likely pathogenic for an increased risk of LZTR1-related schwannomatosis (SWN) and would be expected to cause autosomal recessive Noonan syndrome when present along with a second pathogenic or likely pathogenic variant on the other allele; however, the association of this alteration with autosomal dominant Noonan syndrome is unlikely.

Baylor Genetics
Classification: Likely pathogenic for LZTR1-related schwannomatosis. Last evaluated: 2024-02-29. Review status: criteria provided, single submitter. Criteria: ACMG Guidelines, 2015. Collection method: clinical testing. Allele origin: unknown.

Fulgent Genetics
Classification: Likely pathogenic for Noonan syndrome 2; LZTR1-related schwannomatosis; Noonan syndrome 10. Last evaluated: 2021-08-31. Review status: criteria provided, single submitter. Criteria: ACMG Guidelines, 2015. Collection method: clinical testing. Allele origin: unknown.

Blueprint Genetics
Classification: Uncertain significance. Last evaluated: 2017-10-19. Review status: criteria provided, single submitter. Criteria: ACMG Guidelines, 2015. Collection method: clinical testing. Allele origin: germline.

Literature cited by the submitters: PubMed 16199547 (cited by Labcorp Genetics (formerly Invitae), Labcorp); PubMed 24362817 (cited by Labcorp Genetics (formerly Invitae), Labcorp); PubMed 25335493 (cited by Labcorp Genetics (formerly Invitae), Labcorp); PubMed 25480913 (cited by Labcorp Genetics (formerly Invitae), Labcorp); PubMed 25795793 (cited by Labcorp Genetics (formerly Invitae), Labcorp); PubMed 29469822 (cited by Labcorp Genetics (formerly Invitae), Labcorp); PubMed 30368668 (cited by Labcorp Genetics (formerly Invitae), Labcorp); PubMed 30442762 (cited by Labcorp Genetics (formerly Invitae), Labcorp); PubMed 30442766 (cited by Labcorp Genetics (formerly Invitae), Labcorp); PubMed 30481304 (cited by Labcorp Genetics (formerly Invitae), Labcorp); PubMed 30859559 (cited by Labcorp Genetics (formerly Invitae), Labcorp).

NM_006767.4(LZTR1):c.1943-1G>A

Gene: LZTR1 (leucine zipper like post translational regulator 1; plus strand). Cytogenetic location: 22q11.21.
Variant type: single nucleotide variant.
Coding change: c.1943-1G>A on transcript NM_006767.4 (MANE Select); the canonical splice acceptor site of the intron before coding-DNA position 1943, G replaced by A.
Molecular consequence: splice acceptor variant.
Genome position (GRCh38, 1-based): chr22:20,995,745, G>A. VCF-style: chr22-20995745-G-A. GRCh37 (hg19) VCF-style: chr22-21350034-G-A.
Identifiers: ClinVar variation 1512851 (VCV001512851.14), dbSNP rs1189015572, ClinGen allele CA410778922.